The following is an entry in ClinVar:

NM_001291303.3(FAT4):c.743del (p.Pro248fs)

Gene: FAT4 (FAT atypical cadherin 4; plus strand). Cytogenetic location: 4q28.1.
Variant type: Deletion.
Coding change: c.743del on transcript NM_001291303.3 (MANE Select); coding-DNA position 743, one base deleted (C; older notation c.743delC).
Protein change: p.Pro248fs; shifts the reading frame from proline 248.
Molecular consequence: frameshift variant. On other transcripts: intron variant (1).
Genome position (GRCh38, 1-based): chr4:125,317,154, C deleted; the last of 6 consecutive C bases (chr4:125,317,149-125,317,154); deleting any one gives the same sequence. VCF-style (leftmost placement, unchanged base first): chr4-125317148-AC-A. GRCh37 (hg19) VCF-style: chr4-126238303-AC-A.
Other names: c.743del, p.Pro248fs (NM_001291285.3, NM_001438396.1, NM_001438397.1 and 1 more transcripts); c.-55+1177del (NM_001437895.1); short protein forms P248fs.
Identifiers: ClinVar variation 4538335 (VCV004538335.1).
Genomic context (GRCh38, chr4:125,317,148, plus strand): 5'-GTGAGCCTAAGCGGCGGGGCTACCTTCAGGTAAACGTGACTGTGCAAGACATTAATGACA[AC>A]CCCCCGGTTTTTGGCAGTTCTCACTACCAGGCGGGGGTGCCTGAGGACGCGGTTGTGGGT-3'

ClinVar aggregate classification (germline): Likely pathogenic (1 of 4 stars; one submission).

Conditions:
FAT4-related disorder. Also called: FAT4-related condition.

Submission:

Greenwood Genetic Center Diagnostic Laboratories, Greenwood Genetic Center
Classification: Likely pathogenic for FAT4-related disorder. Last evaluated: 2025-06-25. Review status: criteria provided, single submitter. Criteria: ACMG Guidelines, 2015. Collection method: clinical testing. Allele origin: germline. Affected: yes.
Comment: PVS1, PM2